The following is an entry in ClinVar:

ClinVar aggregate classification (germline): Uncertain significance (1 of 4 stars; one submission).

Conditions:
Epidermolysis bullosa simplex 5B, with muscular dystrophy (EBS5B). Also called: EPIDERMOLYSIS BULLOSA SIMPLEX AND LIMB-GIRDLE MUSCULAR DYSTROPHY; Epidermolysis bullosa simplex with muscular dystrophy. Identifiers: Orphanet 257, MedGen C2931072, MONDO:0009181, OMIM 226670.
Epidermolysis bullosa simplex, Ogna type (EBS5A). Also called: Pidermolysis bullosa simplex 5A, Ogna type; EPIDERMOLYSIS BULLOSA SIMPLEX 5A, OGNA TYPE. Identifiers: Orphanet 79401, MedGen C0432317, MONDO:0007555, OMIM 131950.
Epidermolysis bullosa simplex with nail dystrophy (EBS5D). Identifiers: MedGen C4225309, MONDO:0014661, OMIM 616487.
Autosomal recessive limb-girdle muscular dystrophy type 2Q (LGMDR17). Also called: MUSCULAR DYSTROPHY, LIMB-GIRDLE, AUTOSOMAL RECESSIVE 17. Identifiers: Orphanet 254361, MedGen C3150989, MONDO:0013390, OMIM 613723.
Epidermolysis bullosa simplex 5C, with pyloric atresia (EBS5C). Also called: PLEC1-Related Epidermolysis Bullosa with Pyloric Atresia; PLEC-Related Epidermolysis Bullosa with Pyloric Atresia; Epidermolysis bullosa simplex with pyloric atresia. Identifiers: Orphanet 158684, MedGen C2677349, MONDO:0012807, OMIM 612138.

gnomAD v4.1: 3 of 1,599,630 alleles (0.00019%); highest among the groups gnomAD compares: Non-Finnish European, 0.00026%; no homozygotes.

Submission:

Labcorp Genetics (formerly Invitae), Labcorp
Classification: Uncertain significance for Autosomal recessive limb-girdle muscular dystrophy type 2Q; Epidermolysis bullosa simplex, Ogna type; Epidermolysis bullosa simplex with nail dystrophy; Epidermolysis bullosa simplex 5C, with pyloric atresia; Epidermolysis bullosa simplex 5B, with muscular dystrophy. Last evaluated: 2021-06-16. Review status: criteria provided, single submitter. Criteria: Invitae Variant Classification Sherloc (09022015). Collection method: clinical testing. Allele origin: germline.
Comment: In summary, the available evidence is currently insufficient to determine the role of this variant in disease. Therefore, it has been classified as a Variant of Uncertain Significance. Algorithms developed to predict the effect of missense changes on protein structure and function are either unavailable or do not agree on the potential impact of this missense change (SIFT: "Tolerated"; PolyPhen-2: "Not Available"; Align-GVGD: "Class C0"). This variant has not been reported in the literature in individuals with PLEC-related conditions. This variant is not present in population databases (ExAC no frequency). This sequence change replaces serine with threonine at codon 1119 of the PLEC protein (p.Ser1119Thr). The serine residue is moderately conserved and there is a small physicochemical difference between serine and threonine.

NM_201384.3(PLEC):c.3275G>C (p.Ser1092Thr)

Gene: PLEC (plectin; minus strand). Cytogenetic location: 8q24.3.
Variant type: single nucleotide variant.
Coding change: c.3275G>C on transcript NM_201384.3 (MANE Select); coding-DNA position 3275, G replaced by C.
Protein change: p.Ser1092Thr; replaces serine 1092 with threonine.
Molecular consequence: missense variant.
Genome position (GRCh38, 1-based): chr8:143,927,978, C>G on the plus strand (G>C on the coding strand, the complement: PLEC is on the minus strand). VCF-style: chr8-143927978-C-G. GRCh37 (hg19) VCF-style: chr8-145002146-C-G.
Other names: c.3686G>C, p.Ser1229Thr (NM_201380.4); c.3179G>C, p.Ser1060Thr (NM_201381.3); c.3275G>C, p.Ser1092Thr (NM_201382.4); c.3287G>C, p.Ser1096Thr (NM_201383.3); c.3233G>C, p.Ser1078Thr (NM_201378.4); c.3209G>C, p.Ser1070Thr (NM_201379.3); c.3356G>C, p.Ser1119Thr (NM_000445.5); short protein forms S1060T, S1070T, S1229T, S1119T, S1096T, S1078T, S1092T.
Identifiers: ClinVar variation 1469472 (VCV001469472.8), dbSNP rs782658183, ClinGen allele CA372567467.